The following is an entry in ClinVar:

NM_000059.4(BRCA2):c.-42_-41del

Genes: BRCA2 (BRCA2 DNA repair associated; plus strand), LOC106721785 (BRCA2 promoter/silencer region; plus strand). Cytogenetic location: 13q13.1.
Variant type: Deletion.
Coding change: c.-42_-41del on transcript NM_000059.4 (MANE Select); 42 bases upstream of the start codon through 41 bases upstream of the start codon, 2 bases deleted (CG; older notation c.-42_-41delCG).
Molecular consequence: 5 prime UTR variant.
Genome position (GRCh38, 1-based): chr13:32,315,665-32,315,666, CG deleted; deleting any 2 consecutive bases within chr13:32,315,664-32,315,666 gives the same sequence; the c. name uses the placement nearest the transcript's 3' end. VCF-style (leftmost placement, unchanged base first): chr13-32315663-AGC-A. GRCh37 (hg19) VCF-style: chr13-32889800-AGC-A.
Other names: c.-42_-41delCG (NM_000059.3).
Identifiers: ClinVar variation 420553 (VCV000420553.11), dbSNP rs899298231, ClinGen allele CA16619628.
Genomic context (GRCh38, chr13:32,315,663, plus strand): 5'-ATTTGTGACCGGCGCGGTTTTTGTCAGCTTACTCCGGCCAAAAAAGAACTGCACCTCTGG[AGC>A]GGGTTAGTGGTGGTGGTAGTGGGTTGGGACGAGCGCGTCTTCCGCAGTCCCAGTCCAGCG-3'

ClinVar aggregate classification (germline): Likely benign. Review status: criteria provided, multiple submitters, no conflicts (2 of 4 stars). 2 submissions from 2 submitters: Likely benign (2). Last evaluated 2025-09-15.

Conditions:
Hereditary breast ovarian cancer syndrome. Also called: Hereditary breast and ovarian cancer; Hereditary breast and/or ovarian cancer syndrome; Hereditary breast and ovarian cancer syndrome; Hereditary breast and ovarian cancer syndrome (HBOC); Breast and ovarian cancer; BRCA1- and BRCA2-Associated Hereditary Breast and Ovarian Cancer. Identifiers: Orphanet 145, MedGen C0677776, MeSH D061325, MONDO:0003582. Disease mechanism: loss of function.

Submissions (2):

Labcorp Genetics (formerly Invitae), Labcorp
Classification: Likely benign for Hereditary breast ovarian cancer syndrome. Last evaluated: 2025-09-15. Review status: criteria provided, single submitter. Criteria: Invitae Variant Classification Sherloc (09022015). Collection method: clinical testing. Allele origin: germline.

GeneDx
Classification: Likely benign. Last evaluated: 2017-02-24. Review status: criteria provided, single submitter. Criteria: GeneDx Variant Classification (06012015). Collection method: clinical testing. Allele origin: germline. Affected: yes.
Comment: This variant is considered likely benign or benign based on one or more of the following criteria: it is a conservative change, it occurs at a poorly conserved position in the protein, it is predicted to be benign by multiple in silico algorithms, and/or has population frequency not consistent with disease.